The following is an entry in ClinVar:

ClinVar aggregate classification (germline): Benign/Likely benign. Review status: criteria provided, multiple submitters, no conflicts (2 of 4 stars). 8 submissions from 8 submitters: Benign (1); Likely benign (7). Last evaluated 2025-09-27.

Conditions:
Hereditary nonpolyposis colorectal neoplasms. Identifiers: MedGen C0009405, MeSH D003123.
Hereditary cancer-predisposing syndrome. Also called: Tumor predisposition; Hereditary neoplastic syndrome; Neoplastic Syndromes, Hereditary; Hereditary Cancer Syndrome. Identifiers: Orphanet 140162, MedGen C0027672, MeSH D009386, MONDO:0015356.
Lynch syndrome. Identifiers: Orphanet 144, MedGen C4552100, MONDO:0005835. Disease mechanism: loss of function.
Lynch syndrome 5 (LYNCH5). Also called: Colorectal cancer, hereditary nonpolyposis, type 5; Hereditary non-polyposis colorectal cancer, type 5. Identifiers: Orphanet 144, MedGen C1833477, MONDO:0013710, OMIM 614350. Disease mechanism: loss of function.

Allele frequency attached by ClinVar (database versions not stated): gnomAD 0.00001.
gnomAD v4.1: 3 of 1,614,030 alleles (0.00019%); highest among the groups gnomAD compares: Admixed American, 0.0017%; no homozygotes.

Submissions (8):

Labcorp Genetics (formerly Invitae), Labcorp
Classification: Likely benign for Hereditary nonpolyposis colorectal neoplasms. Last evaluated: 2025-09-27. Review status: criteria provided, single submitter. Criteria: Invitae Variant Classification Sherloc (09022015). Collection method: clinical testing. Allele origin: germline.

Myriad Genetics, Inc.
Classification: Benign for Lynch syndrome 5. Last evaluated: 2024-12-26. Review status: criteria provided, single submitter. Criteria: Myriad Autosomal Dominant, Autosomal Recessive and X-Linked Classification Criteria (2023). Collection method: clinical testing. Allele origin: unknown.
Comment: This variant is considered benign. This variant is a silent/synonymous amino acid change and it is not expected to impact splicing.

All of Us Research Program, National Institutes of Health
Classification: Likely benign for Lynch syndrome. Last evaluated: 2023-05-04. Review status: criteria provided, single submitter. Criteria: ACMG Guidelines, 2015. Collection method: clinical testing. Allele origin: germline. Inheritance: Autosomal dominant inheritance. Observed: 1 variant allele, 1 heterozygote.
Comment: This study involves interpretation of variants in research participants for the purpose of population health screening. Participant phenotype was not available at the time of variant classification. Additional details can be found in publication PMID: 35346344, PMCID: PMC8962531

Sema4
Classification: Likely benign for Hereditary cancer-predisposing syndrome. Last evaluated: 2022-03-08. Review status: criteria provided, single submitter. Criteria: Sema4 Curation Guidelines. Collection method: curation. Allele origin: germline.

Ambry Genetics
Classification: Likely benign for Hereditary cancer-predisposing syndrome. Last evaluated: 2019-08-21. Review status: criteria provided, single submitter. Criteria: Ambry Variant Classification Scheme 2023. Collection method: clinical testing. Allele origin: germline.

ARUP Laboratories, Molecular Genetics and Genomics, ARUP Laboratories
Classification: Likely benign. Last evaluated: 2019-03-13. Review status: criteria provided, single submitter. Criteria: ARUP Molecular Germline Variant Investigation Process. Collection method: clinical testing. Allele origin: germline.

Color Diagnostics, LLC DBA Color Health
Classification: Likely benign for Hereditary cancer-predisposing syndrome. Last evaluated: 2018-04-30. Review status: criteria provided, single submitter. Criteria: ACMG Guidelines, 2015. Collection method: clinical testing. Allele origin: germline.

GeneDx
Classification: Likely benign. Last evaluated: 2017-06-16. Review status: criteria provided, single submitter. Criteria: GeneDx Variant Classification (06012015). Collection method: clinical testing. Allele origin: germline. Affected: yes.
Comment: This variant is considered likely benign or benign based on one or more of the following criteria: it is a conservative change, it occurs at a poorly conserved position in the protein, it is predicted to be benign by multiple in silico algorithms, and/or has population frequency not consistent with disease.

NM_000179.3(MSH6):c.1524G>A (p.Val508=)

Gene: MSH6 (mutS homolog 6; plus strand). Cytogenetic location: 2p16.3.
Variant type: single nucleotide variant.
Coding change: c.1524G>A on transcript NM_000179.3 (MANE Select); coding-DNA position 1524, G replaced by A.
Protein change: p.Val508=; no amino-acid change (valine 508 retained).
Molecular consequence: synonymous variant.
Genome position (GRCh38, 1-based): chr2:47,799,507, G>A. VCF-style: chr2-47799507-G-A. GRCh37 (hg19) VCF-style: chr2-48026646-G-A.
Other names: c.1134G>A, p.Val378= (NM_001281492.2); c.618G>A, p.Val206= (NM_001281493.2, NM_001281494.2).
Identifiers: ClinVar variation 380427 (VCV000380427.24), dbSNP rs878853705, ClinGen allele CA16604310.